The following is an entry in ClinVar:

ClinVar aggregate classification (germline): Conflicting classifications of pathogenicity. Review status: criteria provided, conflicting classifications (1 of 4 stars). 3 submissions from 3 submitters: Likely pathogenic (2); Uncertain significance (1). Last evaluated 2025-11-25.

Conditions:
KRAS-related disorder. Also called: KRAS-related disorders; KRAS-related condition.
Noonan syndrome 3 (NS3). Also called: KRAS-Related Noonan Syndrome. Identifiers: Orphanet 648, MedGen C1860991, MONDO:0012371, OMIM 609942.

Submissions (3):

Women's Health and Genetics/Laboratory Corporation of America, LabCorp
Classification: Uncertain significance. Last evaluated: 2025-11-25. Review status: criteria provided, single submitter. Criteria: LabCorp Variant Classification Summary - May 2015. Collection method: clinical testing. Allele origin: germline.
Comment: Variant summary: KRAS c.189G>C (p.Glu63Asp) results in a conservative amino acid change in the encoded protein sequence. Algorithms developed to predict the effect of missense changes on protein structure and function are either unavailable or do not agree on the potential impact of this missense change. The variant was absent in 251308 control chromosomes. The available data on variant occurrences in the general population are insufficient to allow any conclusion about variant significance. To our knowledge, no occurrence of c.189G>C in individuals affected with KRAS-related conditions and no experimental evidence demonstrating its impact on protein function have been reported in the literature. One clinical laboratory (via ClinVar) has reported a de novo patient with parental status confirmed with an unspecified phenotype (Victorian Clinical Genetics Services, Murdoch Childrens Research Institute). The following publications have been ascertained in the context of this evaluation (PMID: 37313463, 26327537, 35066614). ClinVar contains an entry for this variant (Variation ID: 636802). Based on the evidence outlined above, the variant was classified as uncertain significance.

Victorian Clinical Genetics Services, Murdoch Childrens Research Institute
Classification: Likely pathogenic for Noonan syndrome 3. Last evaluated: 2024-10-10. Review status: criteria provided, single submitter. Criteria: ACMG Guidelines, 2015. Collection method: clinical testing. Allele origin: germline. Inheritance: Autosomal dominant inheritance. Affected: yes.
Comment: Based on the classification scheme VCGS_Germline_v1.3.5, this variant is classified as Likely pathogenic. Following criteria are met: 0101 - Gain of function is the only reported mechanism of disease in this gene. This gene is associated with multiple somatic and germline conditions. (I) 0107 - This gene is associated with autosomal dominant disease. However, post-zygotic somatic alterations in KRAS gene have also been reported. (I) 0200 - Variant is predicted to result in a missense amino acid change from glutamic acid to aspartic acid. (I) 0251 - This variant is heterozygous. (I) 0301 - Variant is absent from gnomAD (v2, v3 and v4). (SP) 0503 - Missense variant consistently predicted to be tolerated by multiple in silico tools or not conserved in placental mammals with a minor amino acid change. (SB) 0603 - Missense variant in a region that is highly intolerant to missense variation (high constraint region in DECIPHER). (SP) 0705 - No comparable missense variants have previous evidence for pathogenicity. (I) 0808 - Previous reports of pathogenicity for this variant are conflicting. This variant, along with an alternative nucleotide change resulting in the same protein outcome, has been classified twice as likely pathogenic and once as a VUS by clinical laboratories in ClinVar. (I) 0905 - No published segregation evidence has been identified for this variant. (SP) Legend: (SP) - Supporting pathogenic, (I) - Information, (SB) - Supporting benign

Blueprint Genetics
Classification: Likely pathogenic for KRAS-related disorders. Last evaluated: 2018-01-19. Review status: criteria provided, single submitter. Criteria: ACMG Guidelines, 2015. Collection method: clinical testing. Allele origin: germline. Affected: yes. Observed: 1 variant allele.

Literature cited by the submitters: PubMed 37313463 (cited by Women's Health and Genetics/Laboratory Corporation of America, LabCorp); PubMed 26327537 (cited by Women's Health and Genetics/Laboratory Corporation of America, LabCorp); PubMed 35066614 (cited by Women's Health and Genetics/Laboratory Corporation of America, LabCorp).

NM_033360.4(KRAS):c.189G>C (p.Glu63Asp)

Gene: KRAS (KRas proto-oncogene, GTPase; minus strand). Cytogenetic location: 12p12.1.
Variant type: single nucleotide variant.
Coding change: c.189G>C on transcript NM_033360.4 (MANE Plus Clinical); coding-DNA position 189, G replaced by C.
Protein change: p.Glu63Asp; replaces glutamic acid 63 with aspartic acid.
Molecular consequence: missense variant.
Genome position (GRCh38, 1-based): chr12:25,227,335, C>G on the plus strand (G>C on the coding strand, the complement: KRAS is on the minus strand). VCF-style: chr12-25227335-C-G. GRCh37 (hg19) VCF-style: chr12-25380269-C-G.
Other names: c.189G>C, p.Glu63Asp (NM_001369786.1, NM_001369787.1, NM_004985.5 and 2 more transcripts); c.189G>C (NM_004985.4); short protein forms E63D.
Identifiers: ClinVar variation 636802 (VCV000636802.4), dbSNP rs1592808357, ClinGen allele CA384152133.
Genomic context (GRCh38, chr12:25,227,335, plus strand): 5'-GGCAAATACACAAAGAAAGCCCTCCCCAGTCCTCATGTACTGGTCCCTCATTGCACTGTA[C>G]TCCTCTTGACCTGCTGTGTCGAGAATATCCAAGAGACAGGTTTCTCCATCAATTACTACT-3'
Protein context (NP_203524.1, residues 53-73): LDILDTAGQE[Glu63Asp]YSAMRDQYMR